The following is an entry in ClinVar:

NM_001916.5(CYC1):c.762G>C (p.Glu254Asp)

Gene: CYC1 (cytochrome c1; plus strand). Cytogenetic location: 8q24.3.
Variant type: single nucleotide variant.
Coding change: c.762G>C on transcript NM_001916.5 (MANE Select); coding-DNA position 762, G replaced by C.
Protein change: p.Glu254Asp; replaces glutamic acid 254 with aspartic acid.
Molecular consequence: missense variant.
Genome position (GRCh38, 1-based): chr8:144,096,734, G>C. VCF-style: chr8-144096734-G-C. GRCh37 (hg19) VCF-style: chr8-145151637-G-C.
Other names: short protein forms E254D.
Identifiers: ClinVar variation 4657946 (VCV004657946.2).

ClinVar aggregate classification (germline): Uncertain significance. Review status: criteria provided, multiple submitters, no conflicts (2 of 4 stars). 2 submissions from 2 submitters: Uncertain significance (2). Last evaluated 2025-10-22.

Submissions (2):

Ambry Genetics
Classification: Uncertain significance. Last evaluated: 2025-10-22. Review status: criteria provided, single submitter. Criteria: Ambry Variant Classification Scheme 2023. Collection method: clinical testing. Allele origin: germline.

Labcorp Genetics (formerly Invitae), Labcorp
Classification: Uncertain significance. Last evaluated: 2025-05-27. Review status: criteria provided, single submitter. Criteria: Invitae Variant Classification Sherloc (09022015). Collection method: clinical testing. Allele origin: germline.
Comment: This sequence change replaces glutamic acid, which is acidic and polar, with aspartic acid, which is acidic and polar, at codon 254 of the CYC1 protein (p.Glu254Asp). This variant is present in population databases (rs144818721, gnomAD 0.003%). This variant has not been reported in the literature in individuals affected with CYC1-related conditions. Invitae Evidence Modeling of protein sequence and biophysical properties (such as structural, functional, and spatial information, amino acid conservation, physicochemical variation, residue mobility, and thermodynamic stability) indicates that this missense variant is not expected to disrupt CYC1 protein function with a negative predictive value of 80%. In summary, the available evidence is currently insufficient to determine the role of this variant in disease. Therefore, it has been classified as a Variant of Uncertain Significance.